The following is an entry in ClinVar:

NM_000562.3(C8A):c.420C>A (p.Cys140Ter)

Gene: C8A (complement C8 alpha chain; plus strand). Cytogenetic location: 1p32.2.
Variant type: single nucleotide variant.
Coding change: c.420C>A on transcript NM_000562.3 (MANE Select); coding-DNA position 420, C replaced by A.
Protein change: p.Cys140Ter; replaces cysteine 140 with a stop codon.
Molecular consequence: nonsense.
Genome position (GRCh38, 1-based): chr1:56,876,165, C>A. VCF-style: chr1-56876165-C-A. GRCh37 (hg19) VCF-style: chr1-57341838-C-A.
Other names: short protein forms C140*.
Identifiers: ClinVar variation 3677358 (VCV003677358.2).

ClinVar aggregate classification (germline): Pathogenic (1 of 4 stars; one submission).

gnomAD v4.1: 4 of 1,613,790 alleles (0.00025%); highest among the groups gnomAD compares: Non-Finnish European, 0.00017%; no homozygotes.

Submission:

Labcorp Genetics (formerly Invitae), Labcorp
Classification: Pathogenic. Last evaluated: 2025-03-22. Review status: criteria provided, single submitter. Criteria: Invitae Variant Classification Sherloc (09022015). Collection method: clinical testing. Allele origin: germline.
Comment: This sequence change creates a premature translational stop signal (p.Cys140*) in the C8A gene. It is expected to result in an absent or disrupted protein product. Loss-of-function variants in C8A are known to be pathogenic (PMID: 9759902). This variant is not present in population databases (gnomAD no frequency). This variant has not been reported in the literature in individuals affected with C8A-related conditions. For these reasons, this variant has been classified as Pathogenic.

Literature cited by the submitters: PubMed 9759902.